The following is an entry in ClinVar:

NM_024339.5(THOC6):c.537G>T (p.Arg179Ser)

Gene: THOC6 (THO complex subunit 6; plus strand). Cytogenetic location: 16p13.3.
Variant type: single nucleotide variant.
Coding change: c.537G>T on transcript NM_024339.5 (MANE Select); coding-DNA position 537, G replaced by T.
Protein change: p.Arg179Ser; replaces arginine 179 with serine.
Molecular consequence: missense variant.
Genome position (GRCh38, 1-based): chr16:3,026,732, G>T. VCF-style: chr16-3026732-G-T. GRCh37 (hg19) VCF-style: chr16-3076733-G-T.
Other names: c.537G>T, p.Arg179Ser (NM_001142350.3, NM_001347704.2); c.465G>T, p.Arg155Ser (NM_001347703.2); short protein forms R179S, R155S.
Identifiers: ClinVar variation 1034041 (VCV001034041.1), dbSNP rs2072804977, ClinGen allele CA394470058.

ClinVar aggregate classification (germline): Uncertain significance (1 of 4 stars; one submission).

Conditions:
THOC6-related developmental delay-microcephaly-facial dysmorphism syndrome. Also called: Microcephaly, mental retardation, and distinctive facies, with cardiac and genitourinary malformations; THOC6 Intellectual Disability Syndrome; Beaulieu-Boycott-Innes syndrome. Identifiers: Orphanet 363444, MedGen C3150939, MONDO:0013362, OMIM 613680.

Submission:

Baylor Genetics
Classification: Uncertain significance for THOC6-related developmental delay-microcephaly-facial dysmorphism syndrome. Last evaluated: 2018-03-01. Review status: criteria provided, single submitter. Criteria: ACMG Guidelines, 2015. Collection method: clinical testing. Allele origin: paternal. Affected: yes.
Comment: This variant was determined to be of uncertain significance according to ACMG Guidelines, 2015 [PMID:25741868].